The following is an entry in ClinVar:

ClinVar aggregate classification (germline): Uncertain significance (1 of 4 stars; one submission).

Conditions:
Aortic valve disease 2 (AOVD2). Identifiers: MedGen C3542024, MONDO:0013902, OMIM 614823.

Submission:

Labcorp Genetics (formerly Invitae), Labcorp
Classification: Uncertain significance for Aortic valve disease 2. Last evaluated: 2021-06-27. Review status: criteria provided, single submitter. Criteria: Invitae Variant Classification Sherloc (09022015). Collection method: clinical testing. Allele origin: germline.
Comment: This variant has not been reported in the literature in individuals with SMAD6-related conditions. Algorithms developed to predict the effect of missense changes on protein structure and function are either unavailable or do not agree on the potential impact of this missense change (SIFT: "Deleterious"; PolyPhen-2: "Probably Damaging"; Align-GVGD: "Class C0"). In summary, the available evidence is currently insufficient to determine the role of this variant in disease. Therefore, it has been classified as a Variant of Uncertain Significance. The frequency data for this variant in the population databases is considered unreliable, as metrics indicate insufficient coverage at this position in the ExAC database. This sequence change replaces serine with isoleucine at codon 249 of the SMAD6 protein (p.Ser249Ile). The serine residue is moderately conserved and there is a large physicochemical difference between serine and isoleucine.

NM_005585.5(SMAD6):c.746G>T (p.Ser249Ile)

Gene: SMAD6 (SMAD family member 6; plus strand). Cytogenetic location: 15q22.31.
Variant type: single nucleotide variant.
Coding change: c.746G>T on transcript NM_005585.5 (MANE Select); coding-DNA position 746, G replaced by T.
Protein change: p.Ser249Ile; replaces serine 249 with isoleucine.
Molecular consequence: missense variant. On other transcripts: non-coding transcript variant (1).
Genome position (GRCh38, 1-based): chr15:66,704,004, G>T. VCF-style: chr15-66704004-G-T. GRCh37 (hg19) VCF-style: chr15-66996342-G-T.
Other names: short protein forms S249I.
Identifiers: ClinVar variation 1403060 (VCV001403060.8), dbSNP rs924088670, ClinGen allele CA392950162.